The following is an entry in ClinVar:

ClinVar aggregate classification (germline): Pathogenic. Review status: reviewed by expert panel (3 of 4 stars). 2 submissions from 2 submitters: Pathogenic (1). 1 of the submissions does not count toward it. Last evaluated 2016-09-08.

Conditions:
Breast-ovarian cancer, familial, susceptibility to, 2 (BROVCA2). Also called: BRCA2 Hereditary Breast and Ovarian Cancer. Identifiers: Orphanet 145, MedGen C2675520, MONDO:0012933, OMIM 612555. Disease mechanism: loss of function.

Submissions (2):

Evidence-based Network for the Interpretation of Germline Mutant Alleles (ENIGMA)
Classification: Pathogenic for Breast-ovarian cancer, familial, susceptibility to, 2. Last evaluated: 2016-09-08. Review status: reviewed by expert panel. Criteria: ENIGMA BRCA1/2 Classification Criteria (2015). Collection method: curation. Allele origin: germline.
Comment: Variant allele predicted to encode a truncated non-functional protein.

Consortium of Investigators of Modifiers of BRCA1/2 (CIMBA), c/o University of Cambridge
Classification: Pathogenic for Breast-ovarian cancer, familial, susceptibility to, 2. Last evaluated: 2015-10-02. Review status: criteria provided, single submitter. Criteria: CIMBA Mutation Classification guidelines May 2016. Collection method: clinical testing. Allele origin: germline. Not counted in ClinVar's aggregate classification.

NM_000059.4(BRCA2):c.6688del (p.Ile2230fs)

Gene: BRCA2 (BRCA2 DNA repair associated; plus strand). Cytogenetic location: 13q13.1.
Variant type: Deletion.
Coding change: c.6688del on transcript NM_000059.4 (MANE Select); coding-DNA position 6688, one base deleted (A; older notation c.6688delA).
Protein change: p.Ile2230fs; shifts the reading frame from isoleucine 2230.
Molecular consequence: frameshift variant.
Genome position (GRCh38, 1-based): chr13:32,341,043, A deleted; the last of 3 consecutive A bases (chr13:32,341,041-32,341,043); deleting any one gives the same sequence. VCF-style (leftmost placement, unchanged base first): chr13-32341040-GA-G. GRCh37 (hg19) VCF-style: chr13-32915177-GA-G.
Other names: c.6688delA (NM_000059.3).
Identifiers: ClinVar variation 52158 (VCV000052158.5), dbSNP rs397507877, ClinGen allele CA024296.